The following is an entry in ClinVar:

ClinVar aggregate classification (germline): Uncertain significance. Review status: criteria provided, multiple submitters, no conflicts (2 of 4 stars). 3 submissions from 3 submitters: Uncertain significance (3). Last evaluated 2025-06-24.

Conditions:
Inborn genetic diseases. Identifiers: MedGen C0950123, MeSH D030342.
Karyomegalic interstitial nephritis. Identifiers: Orphanet 401996, MedGen C3553774, MONDO:0013898, OMIM 614817.

Allele frequency attached by ClinVar (database versions not stated): gnomAD 0.00001; TOPMed 0.00002; ExAC 0.00008.
gnomAD v4.1: 38 of 1,613,762 alleles (0.0024%); highest among the groups gnomAD compares: Middle Eastern, 0.033%; no homozygotes.

Submissions (3):

Ambry Genetics
Classification: Uncertain significance for Inborn genetic diseases. Last evaluated: 2025-06-24. Review status: criteria provided, single submitter. Criteria: Ambry Variant Classification Scheme 2023. Collection method: clinical testing. Allele origin: germline.

Fulgent Genetics
Classification: Uncertain significance for Karyomegalic interstitial nephritis. Last evaluated: 2024-02-12. Review status: criteria provided, single submitter. Criteria: ACMG Guidelines, 2015. Collection method: clinical testing. Allele origin: germline.

Labcorp Genetics (formerly Invitae), Labcorp
Classification: Uncertain significance. Last evaluated: 2023-12-12. Review status: criteria provided, single submitter. Criteria: Invitae Variant Classification Sherloc (09022015). Collection method: clinical testing. Allele origin: germline.
Comment: This sequence change replaces glutamic acid, which is acidic and polar, with glycine, which is neutral and non-polar, at codon 731 of the FAN1 protein (p.Glu731Gly). This variant is present in population databases (rs747313162, gnomAD 0.01%). This variant has not been reported in the literature in individuals affected with FAN1-related conditions. An algorithm developed to predict the effect of missense changes on protein structure and function (PolyPhen-2) suggests that this variant is likely to be tolerated. In summary, the available evidence is currently insufficient to determine the role of this variant in disease. Therefore, it has been classified as a Variant of Uncertain Significance.

NM_014967.5(FAN1):c.2192A>G (p.Glu731Gly)

Genes: FAN1 (FANCD2 and FANCI associated nuclease 1; plus strand), MTMR10 (myotubularin related protein 10; minus strand). Cytogenetic location: 15q13.3.
Variant type: single nucleotide variant.
Coding change: c.2192A>G on transcript NM_014967.5 (MANE Select); coding-DNA position 2192, A replaced by G.
Protein change: p.Glu731Gly; replaces glutamic acid 731 with glycine.
Molecular consequence: missense variant.
Genome position (GRCh38, 1-based): chr15:30,925,146, A>G. VCF-style: chr15-30925146-A-G. GRCh37 (hg19) VCF-style: chr15-31217349-A-G.
Other names: c.2192A>G (NM_014967.4); short protein forms E731G.
Identifiers: ClinVar variation 3015437 (VCV003015437.5), dbSNP rs747313162, ClinGen allele CA7450530.